The following is an entry in ClinVar:

ClinVar aggregate classification (germline): Uncertain significance. Review status: criteria provided, multiple submitters, no conflicts (2 of 4 stars). 2 submissions from 2 submitters: Uncertain significance (2). Last evaluated 2024-01-11.

Conditions:
Cardiomyopathy (CMYO). Also called: Cardiomyopathies. Identifiers: Orphanet 167848, MedGen C0878544, MONDO:0004994, HP:0001638. Inheritance: Various modes of inheritance.
Arrhythmogenic cardiomyopathy with wooly hair and keratoderma. Also called: PALMOPLANTAR KERATODERMA WITH LEFT VENTRICULAR CARDIOMYOPATHY AND WOOLLY HAIR; Dilated cardiomyopathy with woolly hair and keratoderma; Arrhythmogenic cardiomyopathy with woolly hair and keratoderma; Carvajal syndrome. Identifiers: Orphanet 65282, MedGen C1854063, MONDO:0011581, OMIM 605676.

Allele frequency attached by ClinVar (database versions not stated): gnomAD exomes below 0.00001.
gnomAD v4.1: 2 of 1,614,194 alleles (0.00012%); highest among the groups gnomAD compares: Non-Finnish European, 0.00017%; no homozygotes.

Submissions (2):

All of Us Research Program, National Institutes of Health
Classification: Uncertain significance for Arrhythmogenic cardiomyopathy with wooly hair and keratoderma. Last evaluated: 2024-01-11. Review status: criteria provided, single submitter. Criteria: ACMG Guidelines, 2015. Collection method: clinical testing. Allele origin: germline. Inheritance: Autosomal dominant inheritance. Observed: 2 variant alleles, 2 heterozygotes.
Comment: This missense variant replaces asparagine with serine at codon 488 of the DSP protein. Computational prediction suggests that this variant may not impact protein structure and function (internally defined REVEL score threshold <= 0.5, PMID: 27666373). To our knowledge, functional studies have not been reported for this variant. This variant has not been reported in individuals affected with DSP-related disorders in the literature. This variant has been identified in 1/251444 chromosomes in the general population by the Genome Aggregation Database (gnomAD). The available evidence is insufficient to determine the role of this variant in disease conclusively. Therefore, this variant is classified as a Variant of Uncertain Significance.

This study involves interpretation of variants in research participants for the purpose of population health screening. Participant phenotype was not available at the time of variant classification. Additional details can be found in publication PMID: 35346344, PMCID: PMC8962531

Color Diagnostics, LLC DBA Color Health
Classification: Uncertain significance for Cardiomyopathy. Last evaluated: 2023-07-20. Review status: criteria provided, single submitter. Criteria: ACMG Guidelines, 2015. Collection method: clinical testing. Allele origin: germline.
Comment: This missense variant replaces asparagine with serine at codon 488 of the DSP protein. Computational prediction suggests that this variant may not impact protein structure and function (internally defined REVEL score threshold <= 0.5, PMID: 27666373). To our knowledge, functional studies have not been reported for this variant. This variant has not been reported in individuals affected with DSP-related disorders in the literature. This variant has been identified in 1/251444 chromosomes in the general population by the Genome Aggregation Database (gnomAD). The available evidence is insufficient to determine the role of this variant in disease conclusively. Therefore, this variant is classified as a Variant of Uncertain Significance.

NM_004415.4(DSP):c.1463A>G (p.Asn488Ser)

Gene: DSP (desmoplakin; plus strand). Cytogenetic location: 6p24.3.
Variant type: single nucleotide variant.
Coding change: c.1463A>G on transcript NM_004415.4 (MANE Select); coding-DNA position 1463, A replaced by G.
Protein change: p.Asn488Ser; replaces asparagine 488 with serine.
Molecular consequence: missense variant.
Genome position (GRCh38, 1-based): chr6:7,569,229, A>G. VCF-style: chr6-7569229-A-G. GRCh37 (hg19) VCF-style: chr6-7569462-A-G.
Other names: c.1463A>G, p.Asn488Ser (NM_001008844.3, NM_001319034.2); short protein forms N488S.
Identifiers: ClinVar variation 2775273 (VCV002775273.3), dbSNP rs1561688442, ClinGen allele CA362677501.